The following is an entry in ClinVar:

ClinVar aggregate classification (germline): Likely benign. Review status: criteria provided, multiple submitters, no conflicts (2 of 4 stars). 2 submissions from 2 submitters: Likely benign (2). Last evaluated 2024-11-06.

Allele frequency attached by ClinVar (database versions not stated): 1000 Genomes Project 0.00220; 1000 Genomes Project 30x 0.00265; gnomAD 0.00285; TOPMed 0.00357.
gnomAD v4.1: 437 of 151,558 alleles (0.29%); highest among the groups gnomAD compares: Middle Eastern, 4.1%; 1 homozygote.

Submissions (2):

Blueprint Genetics
Classification: Likely benign. Last evaluated: 2024-11-06. Review status: criteria provided, single submitter. Criteria: ACMG Guidelines, 2015. Collection method: clinical testing. Allele origin: germline.

CeGaT Center for Human Genetics Tuebingen
Classification: Likely benign. Last evaluated: 2023-01-01. Review status: criteria provided, single submitter. Criteria: CeGaT Center For Human Genetics Tuebingen Variant Classification Criteria Version 2. Collection method: clinical testing. Allele origin: germline. Affected: yes. Observed: 2 variant alleles.
Comment: FGF14: BS1

NM_004115.4(FGF14):c.408+40847T>C

Gene: FGF14 (fibroblast growth factor 14; minus strand). Cytogenetic location: 13q33.1.
Variant type: single nucleotide variant.
Coding change: c.408+40847T>C on transcript NM_004115.4 (MANE Select); 40847 bases into the intron after coding-DNA position 408, T replaced by C.
Molecular consequence: intron variant. On other transcripts: synonymous variant (1).
Genome position (GRCh38, 1-based): chr13:101,827,878, A>G on the plus strand (T>C on the coding strand, the complement: FGF14 is on the minus strand). VCF-style: chr13-101827878-A-G. GRCh37 (hg19) VCF-style: chr13-102480228-A-G.
Other names: c.468T>C, p.Pro156= (NM_001321937.2); c.267+40847T>C (NM_001321947.2); c.306+40847T>C (NM_001379342.1, NM_001321948.2, NM_001321945.2); c.156+40847T>C (NM_001321946.2, NM_001321949.1, NM_001321943.1 and 4 more transcripts); c.228+40847T>C (NM_001321938.2, NM_001321940.1, NM_001321933.1); c.312+40847T>C (NM_001321939.2); c.423+40847T>C (NM_175929.3); c.222+40847T>C (NM_001321941.2); and 1 more.
Identifiers: ClinVar variation 2643902 (VCV002643902.25), dbSNP rs74121044, ClinGen allele CA256131791.